The following is an entry in ClinVar:

NM_001267550.2(TTN):c.22240+1G>A

Gene: TTN (titin; minus strand). Cytogenetic location: 2q31.2.
Variant type: single nucleotide variant.
Coding change: c.22240+1G>A on transcript NM_001267550.2 (MANE Select); the canonical splice donor site of the intron after coding-DNA position 22240, G replaced by A.
Molecular consequence: splice donor variant. On other transcripts: intron variant (3).
Genome position (GRCh38, 1-based): chr2:178,722,658, C>T on the plus strand (G>A on the coding strand, the complement: TTN is on the minus strand). VCF-style: chr2-178722658-C-T. GRCh37 (hg19) VCF-style: chr2-179587385-C-T.
Other names: c.13282+15424G>A (NM_003319.4); c.13858+15424G>A (NM_133437.4); c.13657+15424G>A (NM_133432.3); c.18508+1G>A (NM_133378.4); c.21289+1G>A (NM_001256850.1).
Identifiers: ClinVar variation 1017515 (VCV001017515.9), dbSNP rs2078612090, ClinGen allele CA349528110.

ClinVar aggregate classification (germline): Likely pathogenic (1 of 4 stars; one submission).

Conditions:
Dilated cardiomyopathy 1G (CMD1G). Identifiers: Orphanet 154, MedGen C1858763, MONDO:0011400, OMIM 604145.
Autosomal recessive limb-girdle muscular dystrophy type 2J (LGMDR10). Also called: Limb-girdle muscular dystrophy, type 2J; MUSCULAR DYSTROPHY, LIMB-GIRDLE, AUTOSOMAL RECESSIVE 10. Identifiers: Orphanet 140922, MedGen C1837342, MONDO:0012127, OMIM 608807.

Submission:

Labcorp Genetics (formerly Invitae), Labcorp
Classification: Likely pathogenic for Dilated cardiomyopathy 1G; Autosomal recessive limb-girdle muscular dystrophy type 2J. Last evaluated: 2024-11-04. Review status: criteria provided, single submitter. Criteria: Invitae Variant Classification Sherloc (09022015). Collection method: clinical testing. Allele origin: germline.
Comment: This sequence change affects a donor splice site in intron 76 of the TTN gene. It is expected to disrupt RNA splicing and likely results in a truncated or disrupted TTN protein. This variant is not present in population databases (gnomAD no frequency). This variant has not been reported in the literature in individuals affected with TTN-related conditions. ClinVar contains an entry for this variant (Variation ID: 1017515). Algorithms developed to predict the effect of sequence changes on RNA splicing suggest that this variant may disrupt the consensus splice site. This variant is located in the I band of TTN (PMID: 25589632). Truncating variants in this region have been reported in individuals affected with autosomal recessive centronuclear myopathy (PMID: 23975875, internal data). Truncating variants in this region have also been identified in individuals affected with autosomal dominant dilated cardiomyopathy and/or cardio-related conditions (PMID: 27869827, 32964742, internal data). In summary, the currently available evidence indicates that the variant is pathogenic, but additional data are needed to prove that conclusively. Therefore, this variant has been classified as Likely Pathogenic.

Literature cited by the submitters: PubMed 25589632; PubMed 23975875; PubMed 27869827; PubMed 32964742.